The following is an entry in ClinVar:

NM_000341.4(SLC3A1):c.891+4A>G

Gene: SLC3A1 (solute carrier family 3 member 1; plus strand). Cytogenetic location: 2p21.
Variant type: single nucleotide variant.
Coding change: c.891+4A>G on transcript NM_000341.4 (MANE Select); 4 bases into the intron after coding-DNA position 891, A replaced by G.
Molecular consequence: intron variant.
Genome position (GRCh38, 1-based): chr2:44,286,161, A>G. VCF-style: chr2-44286161-A-G. GRCh37 (hg19) VCF-style: chr2-44513300-A-G.
Identifiers: ClinVar variation 2433461 (VCV002433461.4), dbSNP rs2465902056, ClinGen allele CA2580066535.

ClinVar aggregate classification (germline): Pathogenic/Likely pathogenic. Review status: criteria provided, multiple submitters, no conflicts (2 of 4 stars). 2 submissions from 2 submitters: Pathogenic (1); Likely pathogenic (1). Last evaluated 2026-04-24.

Conditions:
Cystinuria (CSNU). Also called: CYSTINURIA, TYPE I; CYSTINURIA, TYPE II; CYSTINURIA, TYPE III; Cystinuria, non-type I. Identifiers: Orphanet 214, MedGen C0010691, MONDO:0009067, OMIM 220100, HP:0003131.

Submissions (2):

Women's Health and Genetics/Laboratory Corporation of America, LabCorp
Classification: Pathogenic for Cystinuria. Last evaluated: 2026-04-24. Review status: criteria provided, single submitter. Criteria: LabCorp Variant Classification Summary - May 2015. Collection method: clinical testing. Allele origin: germline.
Comment: Variant summary: SLC3A1 c.891+4A>G alters a conserved nucleotide located close to a canonical splice site and therefore could affect mRNA splicing, leading to a significantly altered protein sequence. Several computational tools predict a significant impact on normal splicing: Four predict the variant weakens a 5' donor site. At least one publication reports experimental evidence that this variant affects mRNA splicing (Pras_1998). The variant was absent in 251314 control chromosomes. c.891+4A>G has been observed in the homozygous state in three siblings affected with Cystinuria and segregated with the phenotype in the family (e.g. Pras_1998). These data indicate that the variant is very likely to be associated with disease. The following publications have been ascertained in the context of this evaluation (PMID: 9452031, 20852892). ClinVar contains an entry for this variant (Variation ID: 2433461). Based on the evidence outlined above, the variant was classified as pathogenic.

Revvity Omics, Revvity
Classification: Likely pathogenic for Cystinuria. Last evaluated: 2023-01-23. Review status: criteria provided, single submitter. Criteria: ACMG Guidelines, 2015. Collection method: clinical testing. Allele origin: germline.

Literature cited by the submitters: PubMed 20852892 (cited by Women's Health and Genetics/Laboratory Corporation of America, LabCorp); PubMed 9452031 (cited by Women's Health and Genetics/Laboratory Corporation of America, LabCorp).